The following is an entry in ClinVar:

ClinVar aggregate classification (germline): Conflicting classifications of pathogenicity. Review status: criteria provided, conflicting classifications (1 of 4 stars). 6 submissions from 5 submitters: Uncertain significance (2); Benign (1); Likely benign (2). 1 of the submissions does not count toward it. Last evaluated 2026-04-28.

Conditions:
Maturity-onset diabetes of the young (MODY). Also called: Maturity onset diabetes mellitus in young. Identifiers: Orphanet 552, MedGen C0342276, MONDO:0018911, HP:0004904.
Transitory neonatal diabetes mellitus. Also called: Transient neonatal diabetes mellitus. Identifiers: MedGen C0342273, MONDO:0020525, HP:0008255.
Hereditary hyperinsulinism.

Allele frequency attached by ClinVar (database versions not stated): gnomAD 0.00003; TOPMed 0.00003; gnomAD exomes 0.00005 and 0.00009; ESP Exome Variant Server 0.00008; ExAC 0.00009.
gnomAD v4.1: 86 of 1,613,150 alleles (0.0053%); highest among the groups gnomAD compares: South Asian, 0.0088%; 1 homozygote.

Submissions (6):

Women's Health and Genetics/Laboratory Corporation of America, LabCorp
Classification: Likely benign. Last evaluated: 2026-04-28. Review status: criteria provided, single submitter. Criteria: LabCorp Variant Classification Summary - May 2015. Collection method: clinical testing. Allele origin: germline.

Labcorp Genetics (formerly Invitae), Labcorp
Classification: Benign. Last evaluated: 2025-12-26. Review status: criteria provided, single submitter. Criteria: Invitae Variant Classification Sherloc (09022015). Collection method: clinical testing. Allele origin: germline.

CeGaT Center for Human Genetics Tuebingen
Classification: Likely benign. Last evaluated: 2022-04-01. Review status: criteria provided, single submitter. Criteria: CeGaT Center For Human Genetics Tuebingen Variant Classification Criteria Version 2. Collection method: clinical testing. Allele origin: germline. Affected: yes. Observed: 1 variant allele.
Comment: ABCC8: BP4, BP7

Clinical Genomics, Uppaluri K&H Personalized Medicine Clinic
Classification: Uncertain significance for Transitory neonatal diabetes mellitus. Review status: criteria provided, single submitter. Criteria: K & H Uppaluri Personalized Medicine Clinic Variant Classification & Assertion Criteria_Updated V.1. Collection method: research. Allele origin: somatic. Inheritance: Somatic mutation.
Comment: Mutations in ABCC8 gene are associated with both neonatal diabetes mellitus as well as MODY. Patients with this mutation may have a better response to sulfonylureas. However, no sufficient evidence is found to ascertain the role of this particular variant (rs372257088) in neonatal diabetes yet.

Clinical Genomics, Uppaluri K&H Personalized Medicine Clinic
Classification: Uncertain significance for Maturity-onset diabetes of the young. Review status: criteria provided, single submitter. Criteria: K & H Uppaluri Personalized Medicine Clinic Variant Classification & Assertion Criteria_Updated V.1. Collection method: research. Allele origin: somatic. Inheritance: Somatic mutation.
Comment: Mutations in ABCC8 gene are associated with both neonatal diabetes mellitus as well as MODY. Patients with this mutation may have a better response to sulfonylureas. However, no sufficient evidence is found to ascertain the role of this particular variant (rs372257088) in MODY yet.

Natera, Inc.
Classification: Uncertain significance for Hereditary hyperinsulinism. Last evaluated: 2020-03-17. Review status: no assertion criteria provided. Collection method: clinical testing. Allele origin: germline. Not counted in ClinVar's aggregate classification.

Literature cited by the submitters: PubMed 16885549 (cited by Clinical Genomics, Uppaluri K&H Personalized Medicine Clinic); PubMed 21989597 (cited by Clinical Genomics, Uppaluri K&H Personalized Medicine Clinic); PubMed 27538677 (cited by Clinical Genomics, Uppaluri K&H Personalized Medicine Clinic); PubMed 18981553 (cited by Clinical Genomics, Uppaluri K&H Personalized Medicine Clinic); PubMed 32027066 (cited by Clinical Genomics, Uppaluri K&H Personalized Medicine Clinic); PubMed 16613899 (cited by Clinical Genomics, Uppaluri K&H Personalized Medicine Clinic); PubMed 18025408 (cited by Clinical Genomics, Uppaluri K&H Personalized Medicine Clinic); PubMed 32792356 (cited by Clinical Genomics, Uppaluri K&H Personalized Medicine Clinic).

NM_000352.6(ABCC8):c.3439C>T (p.Leu1147=)

Gene: ABCC8 (ATP binding cassette subfamily C member 8; minus strand). Cytogenetic location: 11p15.1.
Variant type: single nucleotide variant.
Coding change: c.3439C>T on transcript NM_000352.6 (MANE Select); coding-DNA position 3439, C replaced by T.
Protein change: p.Leu1147=; no amino-acid change (leucine 1147 retained).
Molecular consequence: synonymous variant. On other transcripts: non-coding transcript variant (1).
Genome position (GRCh38, 1-based): chr11:17,404,630, G>A on the plus strand (C>T on the coding strand, the complement: ABCC8 is on the minus strand). VCF-style: chr11-17404630-G-A. GRCh37 (hg19) VCF-style: chr11-17426177-G-A.
Other names: c.3442C>T, p.Leu1148= (NM_001287174.3); c.3505C>T, p.Leu1169= (NM_001351295.2); c.3439C>T, p.Leu1147= (NM_001351296.2); c.3436C>T, p.Leu1146= (NM_001351297.2).
Identifiers: ClinVar variation 795473 (VCV000795473.37), dbSNP rs372257088, ClinGen allele CA5902805.
Genomic context (GRCh38, chr11:17,404,630, plus strand): 5'-GGGCCACGAGGAACACAGGTGTGACATAGGAGATGACGGCCAGGGCTGAGACACAGAGCA[G>A]GGTGGAGCGGCTCAGGCACTCCAGCGTGGATGGGATGTGCTGAGGGAGACGAGGGGGAGA-3'
Protein context (NP_000343.2, residues 1137-1157): STLECLSRST[Leu1147=]LCVSALAVIS